The following is an entry in ClinVar:

ClinVar aggregate classification (germline): Uncertain significance (1 of 4 stars; one submission).

Conditions:
BCS1L-related disorder. Also called: BCS1L-related disorders; BCS1L-related condition. Identifiers: MedGen CN239240.

Submission:

Myriad Genetics, Inc.
Classification: Uncertain significance for BCS1L-related disorder. Last evaluated: 2025-10-16. Review status: criteria provided, single submitter. Criteria: Myriad Autosomal Dominant, Autosomal Recessive and X-Linked Classification Criteria (2023). Collection method: clinical testing. Allele origin: unknown.
Comment: NM_004328.4(BCS1L):c.1257_1259delGTG(*420Sext*13) is a frameshift variant that results in protein elongation classified as a variant of uncertain significance in the context of BCS1L-related disorders. *420Sext*13 has not been observed in cases with relevant disease. Relevant functional assessments of this variant are not available in the literature. *420Sext*13 has not been observed in referenced population frequency databases. In summary, there is insufficient evidence to classify NM_004328.4(BCS1L):c.1257_1259delGTG(*420Sext*13) as pathogenic or benign. Please note: this variant was assessed in the context of healthy population screening.

NM_001079866.2(BCS1L):c.1257_1259del (p.Ter420del)

Gene: BCS1L (BCS1 ubiquinol-cytochrome c reductase complex chaperone; plus strand). Cytogenetic location: 2q35.
Variant type: Deletion.
Coding change: c.1257_1259del on transcript NM_001079866.2 (MANE Select); coding-DNA positions 1257 to 1259, 3 bases deleted (GTG; older notation c.1257_1259delGTG).
Protein change: p.Ter420del.
Molecular consequence: stop lost, inframe deletion. On other transcripts: non-coding transcript variant (1).
Genome position (GRCh38, 1-based): chr2:218,663,383-218,663,385, GTG deleted; deleting any 3 consecutive bases within chr2:218,663,382-218,663,385 gives the same sequence; the c. name uses the placement nearest the transcript's 3' end. VCF-style (leftmost placement, unchanged base first): chr2-218663381-AGGT-A. GRCh37 (hg19) VCF-style: chr2-219528104-AGGT-A.
Other names: c.1257_1259del, p.Ter420del (NM_001257342.2, NM_001257343.2, NM_001257344.2 and 10 more transcripts); c.897_899del, p.Ter300del (NM_001318836.2, NM_001371451.1); c.756_758del, p.Ter253del (NM_001371452.1, NM_001371453.1, NM_001371454.1 and 3 more transcripts); short protein forms :300del, :253del, :420del.
Identifiers: ClinVar variation 5004227 (VCV005004227.1).